The following is an entry in ClinVar:

NM_012254.3(SLC27A5):c.445G>A (p.Asp149Asn)

Gene: SLC27A5 (solute carrier family 27 member 5; minus strand). Cytogenetic location: 19q13.43.
Variant type: single nucleotide variant.
Coding change: c.445G>A on transcript NM_012254.3 (MANE Select); coding-DNA position 445, G replaced by A.
Protein change: p.Asp149Asn; replaces aspartic acid 149 with asparagine.
Molecular consequence: missense variant. On other transcripts: intron variant (1).
Genome position (GRCh38, 1-based): chr19:58,511,511, C>T on the plus strand (G>A on the coding strand, the complement: SLC27A5 is on the minus strand). VCF-style: chr19-58511511-C-T. GRCh37 (hg19) VCF-style: chr19-59022878-C-T.
Other names: p.Asp149Asn; c.436+9G>A (NM_001321196.2); c.445G>A (NM_012254.2); short protein forms D149N.
Identifiers: ClinVar variation 2683522 (VCV002683522.2), dbSNP rs370284915, ClinGen allele CA310608980.

ClinVar aggregate classification (germline): Uncertain significance. Review status: criteria provided, multiple submitters, no conflicts (2 of 4 stars). 2 submissions from 2 submitters: Uncertain significance (2). Last evaluated 2025-06-12.

Allele frequency attached by ClinVar (database versions not stated): gnomAD exomes 0.00002; TOPMed 0.00002; gnomAD 0.00003.
gnomAD v4.1: 31 of 1,571,762 alleles (0.002%); highest among the groups gnomAD compares: Non-Finnish European, 0.0027%; no homozygotes.

Submissions (2):

Ambry Genetics
Classification: Uncertain significance. Last evaluated: 2025-06-12. Review status: criteria provided, single submitter. Criteria: Ambry Variant Classification Scheme 2023. Collection method: clinical testing. Allele origin: germline.

Mayo Clinic Laboratories, Mayo Clinic
Classification: Uncertain significance. Last evaluated: 2022-07-21. Review status: criteria provided, single submitter. Criteria: ACMG Guidelines, 2015. Collection method: clinical testing. Allele origin: germline. Observed: 1 variant allele.
Comment: BP4, PM2